The following is an entry in ClinVar:

ClinVar aggregate classification (germline): Uncertain significance (1 of 4 stars; one submission).

Conditions:
POLD1-related polyposis and colorectal cancer syndrome (CRCS10). Also called: Colorectal cancer 10; Colorectal cancer, susceptibility to, 10; COLORECTAL CANCER, SUSCEPTIBILITY TO, ON CHROMOSOME 19q. Identifiers: Orphanet 220460, MedGen C2675481, MONDO:0012953, OMIM 612591.

Submission:

Labcorp Genetics (formerly Invitae), Labcorp
Classification: Uncertain significance for POLD1-related polyposis and colorectal cancer syndrome. Last evaluated: 2023-09-21. Review status: criteria provided, single submitter. Criteria: Invitae Variant Classification Sherloc (09022015). Collection method: clinical testing. Allele origin: germline.
Comment: This sequence change replaces alanine, which is neutral and non-polar, with glycine, which is neutral and non-polar, at codon 675 of the POLD1 protein (p.Ala675Gly). This variant is not present in population databases (gnomAD no frequency). This variant has not been reported in the literature in individuals affected with POLD1-related conditions. Advanced modeling of protein sequence and biophysical properties (such as structural, functional, and spatial information, amino acid conservation, physicochemical variation, residue mobility, and thermodynamic stability) performed at Invitae indicates that this missense variant is not expected to disrupt POLD1 protein function. In summary, the available evidence is currently insufficient to determine the role of this variant in disease. Therefore, it has been classified as a Variant of Uncertain Significance.

NM_002691.4(POLD1):c.2024C>G (p.Ala675Gly)

Gene: POLD1 (DNA polymerase delta 1, catalytic subunit; plus strand). Cytogenetic location: 19q13.33.
Variant type: single nucleotide variant.
Coding change: c.2024C>G on transcript NM_002691.4 (MANE Select); coding-DNA position 2024, C replaced by G.
Protein change: p.Ala675Gly; replaces alanine 675 with glycine.
Molecular consequence: missense variant. On other transcripts: non-coding transcript variant (1).
Genome position (GRCh38, 1-based): chr19:50,409,536, C>G. VCF-style: chr19-50409536-C-G. GRCh37 (hg19) VCF-style: chr19-50912793-C-G.
Other names: c.2024C>G, p.Ala675Gly (NM_001256849.1); c.2102C>G, p.Ala701Gly (NM_001308632.1); short protein forms A701G, A675G.
Identifiers: ClinVar variation 2749279 (VCV002749279.3), dbSNP rs2122384995, ClinGen allele CA406982471.
Genomic context (GRCh38, chr19:50,409,536, plus strand): 5'-CCCAGGTGCCGCCTGAGTGTGCTTTCCCCGTGTTCCCTCGCAGGGCCAAGGCCGAGCTGG[C>G]CAAGGAGACAGACCCCCTCCGGCGCCAGGTCCTGGATGGACGGCAGCTGGCGCTGAAGGT-3'
Protein context (NP_002682.2, residues 665-685): SARKRAKAEL[Ala675Gly]KETDPLRRQV